The following is an entry in ClinVar:

NM_004595.5(SMS):c.936T>C (p.Tyr312=)

Gene: SMS (spermine synthase; plus strand). Cytogenetic location: Xp22.11.
Variant type: single nucleotide variant.
Coding change: c.936T>C on transcript NM_004595.5 (MANE Select); coding-DNA position 936, T replaced by C.
Protein change: p.Tyr312=; no amino-acid change (tyrosine 312 retained).
Molecular consequence: synonymous variant.
Genome position (GRCh38, 1-based): chrX:21,985,214, T>C. VCF-style: chrX-21985214-T-C. GRCh37 (hg19) VCF-style: chrX-22003332-T-C.
Other names: c.777T>C, p.Tyr259= (NM_001258423.2).
Identifiers: ClinVar variation 3036093 (VCV003036093.2), dbSNP rs370491002, ClinGen allele CA10367885.

ClinVar aggregate classification (germline): Likely benign (0 of 4 stars; one submission).

Conditions:
SMS-related disorder. Also called: SMS-related condition.

Allele frequency attached by ClinVar (database versions not stated): ExAC 0.00005; TOPMed 0.00007; ESP Exome Variant Server 0.00009; gnomAD 0.00009; gnomAD exomes 0.00014.
gnomAD v4.1: 160 of 1,157,351 alleles (0.014%); highest among the groups gnomAD compares: Non-Finnish European, 0.018%; no homozygotes.

Submission:

PreventionGenetics, part of Exact Sciences
Classification: Likely benign for SMS-related condition. Last evaluated: 2021-11-23. Review status: no assertion criteria provided. Collection method: clinical testing. Allele origin: germline.
Comment: This variant is classified as likely benign based on ACMG/AMP sequence variant interpretation guidelines (Richards et al. 2015 PMID: 25741868, with internal and published modifications).